The following is an entry in ClinVar:

ClinVar aggregate classification (germline): Uncertain significance (1 of 4 stars; one submission).

Conditions:
Glycine encephalopathy. Also called: Nonketotic hyperglycinemia; Non-ketotic hyperglycinemia. Identifiers: Orphanet 407, MedGen C0751748, MONDO:0011612, HP:0008288.

Allele frequency attached by ClinVar (database versions not stated): gnomAD exomes 0.00001; ExAC 0.00002.
gnomAD v4.1: 10 of 1,614,216 alleles (0.00062%); highest among the groups gnomAD compares: Non-Finnish European, 0.00085%; no homozygotes.

Submission:

Labcorp Genetics (formerly Invitae), Labcorp
Classification: Uncertain significance for Glycine encephalopathy. Last evaluated: 2021-09-24. Review status: criteria provided, single submitter. Criteria: Invitae Variant Classification Sherloc (09022015). Collection method: clinical testing. Allele origin: germline.
Comment: This sequence change replaces glutamic acid with lysine at codon 150 of the AMT protein (p.Glu150Lys). The glutamic acid residue is moderately conserved and there is a small physicochemical difference between glutamic acid and lysine. This variant is present in population databases (rs766043386, ExAC 0.003%). This variant has not been reported in the literature in individuals with AMT-related conditions. Advanced modeling of protein sequence and biophysical properties (such as structural, functional, and spatial information, amino acid conservation, physicochemical variation, residue mobility, and thermodynamic stability) performed at Invitae indicates that this missense variant is not expected to disrupt AMT protein function. In summary, the available evidence is currently insufficient to determine the role of this variant in disease. Therefore, it has been classified as a Variant of Uncertain Significance.

NM_000481.4(AMT):c.448G>A (p.Glu150Lys)

Gene: AMT (aminomethyltransferase; minus strand). Cytogenetic location: 3p21.31.
Variant type: single nucleotide variant.
Coding change: c.448G>A on transcript NM_000481.4 (MANE Select); coding-DNA position 448, G replaced by A.
Protein change: p.Glu150Lys; replaces glutamic acid 150 with lysine.
Molecular consequence: missense variant. On other transcripts: non-coding transcript variant (1), intron variant (1).
Genome position (GRCh38, 1-based): chr3:49,420,234, C>T on the plus strand (G>A on the coding strand, the complement: AMT is on the minus strand). VCF-style: chr3-49420234-C-T. GRCh37 (hg19) VCF-style: chr3-49457667-C-T.
Other names: c.280G>A, p.Glu94Lys (NM_001164711.2); c.448G>A, p.Glu150Lys (NM_001164712.2); c.340-446G>A (NM_001164710.2); short protein forms E150K, E94K.
Identifiers: ClinVar variation 1979781 (VCV001979781.1), dbSNP rs766043386, ClinGen allele CA2398368.